The following is an entry in ClinVar:

NM_004171.4(SLC1A2):c.17+38535del

Gene: SLC1A2 (solute carrier family 1 member 2; minus strand). Cytogenetic location: 11p13.
Variant type: Deletion.
Coding change: c.17+38535del on transcript NM_004171.4 (MANE Select); 38535 bases into the intron after coding-DNA position 17, one base deleted (T; older notation c.17+38535delT).
Molecular consequence: intron variant.
Genome position (GRCh38, 1-based): chr11:35,380,415, A deleted on the plus strand (T on the coding strand, the reverse complement: SLC1A2 is on the minus strand). VCF-style (leftmost placement, unchanged base first): chr11-35380414-GA-G. GRCh37 (hg19) VCF-style: chr11-35401961-GA-G.
Other names: c.-130+39521del (NM_001195728.3); c.-166-9319del (NM_001252652.2).
Identifiers: ClinVar variation 3898382 (VCV003898382.7).

ClinVar aggregate classification (germline): Likely benign (1 of 4 stars; one submission).

Submission:

CeGaT Center for Human Genetics Tuebingen
Classification: Likely benign. Last evaluated: 2025-04-01. Review status: criteria provided, single submitter. Criteria: CeGaT Center For Human Genetics Tuebingen Variant Classification Criteria Version 2. Collection method: clinical testing. Allele origin: germline. Affected: yes. Observed: 1 variant allele.
Comment: SLC1A2: BP4, BS1